The following is an entry in ClinVar:

NM_001004334.4(GPR179):c.2306A>G (p.His769Arg)

Gene: GPR179 (G protein-coupled receptor 179; minus strand). Cytogenetic location: 17q12.
Variant type: single nucleotide variant.
Coding change: c.2306A>G on transcript NM_001004334.4 (MANE Select); coding-DNA position 2306, A replaced by G.
Protein change: p.His769Arg; replaces histidine 769 with arginine.
Molecular consequence: missense variant.
Genome position (GRCh38, 1-based): chr17:38,331,263, T>C on the plus strand (A>G on the coding strand, the complement: GPR179 is on the minus strand). VCF-style: chr17-38331263-T-C. GRCh37 (hg19) VCF-style: chr17-36487146-T-C.
Other names: short protein forms H769R.
Identifiers: ClinVar variation 1377289 (VCV001377289.7), dbSNP rs1331698532, ClinGen allele CA398883559.
Genomic context (GRCh38, chr17:38,331,263, plus strand): 5'-AGTGAGTCAAGAAGAGGCGGGTCCTGCTCCCTGCGCTGGTCATAGGTGCTGCGGGACTTG[T>C]GCAGAGCTGGTGTCCCCTCGGGTTCCTGGAGGCTGGAGCTGAGGAGCCGGCGGCGGGAGG-3'
Protein context (NP_001004334.3, residues 759-779): LQEPEGTPAL[His769Arg]KSRSTYDQRR

ClinVar aggregate classification (germline): Uncertain significance. Review status: criteria provided, multiple submitters, no conflicts (2 of 4 stars). 2 submissions from 2 submitters: Uncertain significance (2). Last evaluated 2023-07-07.

Allele frequency attached by ClinVar (database versions not stated): gnomAD exomes below 0.00001; gnomAD 0.00001; TOPMed 0.00002.
gnomAD v4.1: 6 of 1,590,502 alleles (0.00038%); highest among the groups gnomAD compares: Non-Finnish European, 0.00051%; no homozygotes.

Submissions (2):

Labcorp Genetics (formerly Invitae), Labcorp
Classification: Uncertain significance. Last evaluated: 2023-07-07. Review status: criteria provided, single submitter. Criteria: Invitae Variant Classification Sherloc (09022015). Collection method: clinical testing. Allele origin: germline.
Comment: This sequence change replaces histidine, which is basic and polar, with arginine, which is basic and polar, at codon 769 of the GPR179 protein (p.His769Arg). This variant is not present in population databases (gnomAD no frequency). This variant has not been reported in the literature in individuals affected with GPR179-related conditions. ClinVar contains an entry for this variant (Variation ID: 1377289). Algorithms developed to predict the effect of missense changes on protein structure and function output the following: SIFT: "Not Available"; PolyPhen-2: "Benign"; Align-GVGD: "Not Available". The arginine amino acid residue is found in multiple mammalian species, which suggests that this missense change does not adversely affect protein function. In summary, the available evidence is currently insufficient to determine the role of this variant in disease. Therefore, it has been classified as a Variant of Uncertain Significance.

Blueprint Genetics
Classification: Uncertain significance. Last evaluated: 2019-09-23. Review status: criteria provided, single submitter. Criteria: ACMG Guidelines, 2015. Collection method: clinical testing. Allele origin: germline.